The following is an entry in ClinVar:

ClinVar aggregate classification (germline): Uncertain significance (1 of 4 stars; one submission).

Conditions:
EAST syndrome (SESAMES). Also called: SEIZURES, SENSORINEURAL DEAFNESS, ATAXIA, IMPAIRED INTELLECTUAL DEVELOPMENT, AND ELECTROLYTE IMBALANCE. Identifiers: Orphanet 199343, MedGen C2748572, MONDO:0013005, OMIM 612780.

Submission:

Labcorp Genetics (formerly Invitae), Labcorp
Classification: Uncertain significance for EAST syndrome. Last evaluated: 2020-05-04. Review status: criteria provided, single submitter. Criteria: Invitae Variant Classification Sherloc (09022015). Collection method: clinical testing. Allele origin: germline.
Comment: This variant is not present in population databases (ExAC no frequency). In summary, the available evidence is currently insufficient to determine the role of this variant in disease. Therefore, it has been classified as a Variant of Uncertain Significance. Algorithms developed to predict the effect of missense changes on protein structure and function (SIFT, PolyPhen-2, Align-GVGD) all suggest that this variant is likely to be disruptive, but these predictions have not been confirmed by published functional studies and their clinical significance is uncertain. This variant has not been reported in the literature in individuals with KCNJ10-related conditions. This sequence change replaces histidine with leucine at codon 93 of the KCNJ10 protein (p.His93Leu). The histidine residue is highly conserved and there is a moderate physicochemical difference between histidine and leucine.

NM_002241.5(KCNJ10):c.278A>T (p.His93Leu)

Gene: KCNJ10 (potassium inwardly rectifying channel subfamily J member 10; minus strand). Cytogenetic location: 1q23.2.
Variant type: single nucleotide variant.
Coding change: c.278A>T on transcript NM_002241.5 (MANE Select); coding-DNA position 278, A replaced by T.
Protein change: p.His93Leu; replaces histidine 93 with leucine.
Molecular consequence: missense variant.
Genome position (GRCh38, 1-based): chr1:160,042,255, T>A on the plus strand (A>T on the coding strand, the complement: KCNJ10 is on the minus strand). VCF-style: chr1-160042255-T-A. GRCh37 (hg19) VCF-style: chr1-160012045-T-A.
Other names: short protein forms H93L.
Identifiers: ClinVar variation 1044267 (VCV001044267.9), dbSNP rs1377862008, ClinGen allele CA343229004.